The following is an entry in ClinVar:

NM_000392.5(ABCC2):c.2625T>C (p.His875=)

Genes: ABCC2 (ATP binding cassette subfamily C member 2; plus strand), LOC126861012 (BRD4-independent group 4 enhancer GRCh37_chr10:101589748-101590947; plus strand). Cytogenetic location: 10q24.2.
Variant type: single nucleotide variant.
Coding change: c.2625T>C on transcript NM_000392.5 (MANE Select); coding-DNA position 2625, T replaced by C.
Protein change: p.His875=; no amino-acid change (histidine 875 retained).
Molecular consequence: synonymous variant.
Genome position (GRCh38, 1-based): chr10:99,830,311, T>C. VCF-style: chr10-99830311-T-C. GRCh37 (hg19) VCF-style: chr10-101590068-T-C.
Identifiers: ClinVar variation 3061583 (VCV003061583.4), dbSNP rs2038715323, ClinGen allele CA471131300.

ClinVar aggregate classification (germline): Likely benign. Review status: criteria provided, single submitter (1 of 4 stars). 2 submissions from 2 submitters: Likely benign (1). 1 of the submissions does not count toward it. Last evaluated 2024-02-23.

Conditions:
ABCC2-related disorder. Also called: ABCC2-related condition.

Allele frequency attached by ClinVar (database versions not stated): gnomAD exomes below 0.00001; TOPMed below 0.00001.
gnomAD v4.1: 2 of 1,614,160 alleles (0.00012%); highest among the groups gnomAD compares: East Asian, 0.0022%; no homozygotes.

Submissions (2):

Labcorp Genetics (formerly Invitae), Labcorp
Classification: Likely benign. Last evaluated: 2024-02-23. Review status: criteria provided, single submitter. Criteria: Invitae Variant Classification Sherloc (09022015). Collection method: clinical testing. Allele origin: germline.

PreventionGenetics, part of Exact Sciences
Classification: Likely benign for ABCC2-related condition. Last evaluated: 2021-08-19. Review status: no assertion criteria provided. Collection method: clinical testing. Allele origin: germline. Not counted in ClinVar's aggregate classification.
Comment: This variant is classified as likely benign based on ACMG/AMP sequence variant interpretation guidelines (Richards et al. 2015 PMID: 25741868, with internal and published modifications).